The following is an entry in ClinVar:

ClinVar aggregate classification (germline): Likely benign (1 of 4 stars; one submission).

Conditions:
Breast-ovarian cancer, familial, susceptibility to, 2 (BROVCA2). Also called: BRCA2 Hereditary Breast and Ovarian Cancer. Identifiers: Orphanet 145, MedGen C2675520, MONDO:0012933, OMIM 612555. Disease mechanism: loss of function.

gnomAD v4.1: 1 of 1,614,006 alleles (0.000062%); highest among the groups gnomAD compares: Non-Finnish European, 0.000085%; no homozygotes.

Submission:

Cancer Bioinformatics and Tumour Evolution Laboratory, Monash University
Classification: Likely benign for Breast-ovarian cancer, familial, susceptibility to, 2. Last evaluated: 2026-05-01. Review status: criteria provided, single submitter. Criteria: ClinGen BRCA1 and BRCA2 Guidelines, 2024. Collection method: curation. Allele origin: germline. Inheritance: Autosomal dominant inheritance.
Comment: Missense variant outside of a functional domain with no splice impact. BRCA1 and BRCA2 VCEP guidelines recommend application of BP1_Strong (PMID: 39142283)

NM_000059.4(BRCA2):c.6716A>G (p.Glu2239Gly)

Gene: BRCA2 (BRCA2 DNA repair associated; plus strand). Cytogenetic location: 13q13.1.
Variant type: single nucleotide variant.
Coding change: c.6716A>G on transcript NM_000059.4 (MANE Select); coding-DNA position 6716, A replaced by G.
Protein change: p.Glu2239Gly; replaces glutamic acid 2239 with glycine.
Molecular consequence: missense variant. On other transcripts: non-coding transcript variant (1), intron variant (2).
Genome position (GRCh38, 1-based): chr13:32,341,071, A>G. VCF-style: chr13-32341071-A-G. GRCh37 (hg19) VCF-style: chr13-32915208-A-G.
Other names: c.6716A>G, p.Glu2239Gly (NM_001406719.1, NM_001406720.1, NM_001432077.1); c.1910-3487A>G (NM_001406721.1); c.425-3487A>G (NM_001406722.1); short protein forms E2239G.
Identifiers: ClinVar variation 4856473 (VCV004856473.1).